The following is an entry in ClinVar:

ClinVar aggregate classification (germline): Pathogenic. Review status: reviewed by expert panel (3 of 4 stars). 11 submissions from 10 submitters: Pathogenic (1). 10 of the submissions do not count toward it. Last evaluated 2024-02-09.

Conditions:
Thrombophilia, X-linked, due to factor 9 defect. Identifiers: MedGen C2749016, MONDO:0010432, OMIM 300807.
Hereditary factor IX deficiency disease (HEMB). Also called: F9 DEFICIENCY; FACTOR IX DEFICIENCY; Christmas Disease; Hemophilia B; PLASMA THROMBOPLASTIN COMPONENT DEFICIENCY. Identifiers: Orphanet 98879, MedGen C0008533, MeSH D002836, MONDO:0010604, OMIM 306900.
Hereditary factor VIII deficiency disease (HEMA). Also called: Hemophilia A; AUTOSOMAL HEMOPHILIA A; HEMOPHILIA, CLASSIC; Hemophilia A, congenital; HEM A; Factor 8 deficiency, congenital. Identifiers: Orphanet 98878, MedGen C0019069, MONDO:0010602, OMIM 306700.

Allele frequency attached by ClinVar (database versions not stated): gnomAD exomes 0.00001 and below 0.00001; gnomAD 0.00001; TOPMed 0.00002; ExAC 0.00001.

Submissions (11):

ClinGen Coagulation Factor Deficiency Variant Curation Expert Panel, Clingen
Classification: Pathogenic for Hereditary factor IX deficiency disease. Last evaluated: 2024-02-09. Review status: reviewed by expert panel. Criteria: ClinGen CoagFactor ACMG Specifications F9 V1.0.0. Collection method: curation. Allele origin: germline. Inheritance: X-linked inheritance.
Comment: The NM_000133.3(F9):c.572G>A predicts a missense change, Arg191His, at the activation residue. This residue is a site for cleavage by FXIa in order to activate FIX and therefore critical for protein function, which meets criteria for PM1_Strong. Over 100 patients meet the F9 phenotype criteria have been reported in the literature (selected PMIDs: 7873393,1972560, 26782891, 27865967, 24375831), meeting PS4_Very strong and PP4_Moderate. The variant has a REVEL score of 0.73 (threshold >0.6), meeting PP3. In summary, the variant meets criteria to be classified as pathogenic. ACMG/AMP criteria applied, as specified by the Coagulation Factor Deficiency VCEP for F9: PS4_Very Strong, PM1_Strong, PP4_Moderate, PP3.

Clinical Genetics Laboratory, Skane University Hospital Lund
Classification: Pathogenic for Hereditary factor IX deficiency disease. Last evaluated: 2026-03-11. Review status: criteria provided, single submitter. Criteria: ACMG Guidelines, 2015. Collection method: clinical testing. Allele origin: germline. Inheritance: X-linked inheritance. Affected: yes. Not counted in ClinVar's aggregate classification.
Comment: F9 (NM_000133.4) c.572G>A; p.(Arg191His) represents a nucleotide substitution in exon 6 of 8, resulting in the amino acid change indicated above, which is predicted to be deleterious to protein function. The variant is located in a functionally important domain of the protein (PMID: 12554099). This variant has been associated with discrepant levels of FIX activity (PMID: 28440032). F9 c.572G>A has previously been reported in the literature (PMID: 7873393, 1972560, 26782891, 27865967, 24375831) and has previously been expert-classified as pathogenic in the ClinVar database (Variation ID: 10585). The variant has been classified as pathogenic using gene-specific criteria (ClinGen Coagulation Factor Deficiency Expert Panel Specifications to the ACMG/AMP Variant Interpretation Guidelines for F9 Version 2.0.0): PS4_Very Strong, PM1_Strong, PP4_Moderate, PP3.

Labcorp Genetics (formerly Invitae), Labcorp
Classification: Pathogenic for Thrombophilia, X-linked, due to factor 9 defect; Hereditary factor IX deficiency disease. Last evaluated: 2025-11-23. Review status: criteria provided, single submitter. Criteria: Invitae Variant Classification Sherloc (09022015). Collection method: clinical testing. Allele origin: germline. Not counted in ClinVar's aggregate classification.
Comment: This sequence change replaces arginine, which is basic and polar, with histidine, which is basic and polar, at codon 191 of the F9 protein (p.Arg191His). This variant is present in population databases (rs137852238, gnomAD 0.001%). This missense change has been observed in individuals with hemophilia B (PMID: 1615486, 2752109, 2773937, 19699296, 22544209, 22639855). This variant is also known as p.Arg145His. ClinVar contains an entry for this variant (Variation ID: 10585). Invitae Evidence Modeling of protein sequence and biophysical properties (such as structural, functional, and spatial information, amino acid conservation, physicochemical variation, residue mobility, and thermodynamic stability) indicates that this missense variant is not expected to disrupt F9 protein function with a negative predictive value of 80%. This variant disrupts the p.Arg191 amino acid residue in F9. Other variant(s) that disrupt this residue have been determined to be pathogenic (PMID: 19699296). This suggests that this residue is clinically significant, and that variants that disrupt this residue are likely to be disease-causing. For these reasons, this variant has been classified as Pathogenic.

Mayo Clinic Laboratories, Mayo Clinic
Classification: Pathogenic. Last evaluated: 2025-07-01. Review status: criteria provided, single submitter. Criteria: ACMG Guidelines, 2015. Collection method: clinical testing. Allele origin: germline. Observed: 5 variant alleles. Not counted in ClinVar's aggregate classification.
Comment: PP3, PP4_moderate, PP5, PM1_strong, PS4_very_strong

GeneDx
Classification: Pathogenic. Last evaluated: 2025-02-24. Review status: criteria provided, single submitter. Criteria: GeneDx Variant Classification Process June 2021. Collection method: clinical testing. Allele origin: germline. Affected: yes. Not counted in ClinVar's aggregate classification.
Comment: In silico analysis indicates that this missense variant does not alter protein structure/function; Also known as p.(R145H); This variant is associated with the following publications: (PMID: 31537632, 34626083, 2752109, 19699296, 22639855, 36473488, 28440032, 32581362, 32155688, 38196513, 27109384, 1615486, 22544209, 31064749, 2773937)

Women's Health and Genetics/Laboratory Corporation of America, LabCorp
Classification: Pathogenic for Hereditary factor IX deficiency disease. Last evaluated: 2023-06-27. Review status: criteria provided, single submitter. Criteria: LabCorp Variant Classification Summary - May 2015. Collection method: clinical testing. Allele origin: germline. Not counted in ClinVar's aggregate classification.
Comment: Variant summary: F9 c.572G>A (p.Arg191His) results in a non-conservative amino acid change in the encoded protein sequence. Three of five in-silico tools predict a damaging effect of the variant on protein function. The variant allele was found at a frequency of 5.5e-06 in 183455 control chromosomes. c.572G>A has been reported in the literature in multiple individuals affected with Factor IX Deficiency (Hemophilia B) (Example: (Green_1992, Li_2014). These data indicate that the variant is very likely to be associated with disease. In addition, another missense variant in the same residue (p.Arg191Cys) has been classified as pathogenic in our laboratory, supporting the functional importance of this residue of the protein. To our knowledge, no experimental evidence demonstrating an impact on protein function has been reported. The following publications have been ascertained in the context of this evaluation (PMID: 1615486, 24375831). Five submitters have cited clinical-significance assessments for this variant to ClinVar after 2014. All submitters classified the variant as pathogenic. Based on the evidence outlined above, the variant was classified as pathogenic.

Mendelics
Classification: Pathogenic for Thrombophilia, X-linked, due to factor 9 defect. Last evaluated: 2022-05-04. Review status: criteria provided, single submitter. Criteria: Mendelics Assertion Criteria 2019. Collection method: clinical testing. Allele origin: germline. Not counted in ClinVar's aggregate classification.

NIHR Bioresource Rare Diseases, University of Cambridge
Classification: Pathogenic for Hereditary factor VIII deficiency disease. Last evaluated: 2019-02-01. Review status: criteria provided, single submitter. Criteria: ACMG Guidelines, 2015. Collection method: research. Allele origin: unknown. Affected: yes. Observed: 2 hemizygotes. Study: ThromboGenomics. Not counted in ClinVar's aggregate classification.

Angelo Bianchi Bonomi Hemophilia and Thrombosis Center, Fondazione IRCCS Ca Granda Ospedale Maggiore Policlinico
Classification: Pathogenic for Hereditary factor IX deficiency disease. Last evaluated: 2019-06-01. Review status: no assertion criteria provided. Collection method: clinical testing. Allele origin: germline. Affected: yes. Observed: 2 variant alleles. Not counted in ClinVar's aggregate classification.

OMIM
Classification: Pathogenic for HEMOPHILIA B. Last evaluated: 1990-11-15. Review status: no assertion criteria provided. Collection method: literature only. Allele origin: germline. Not counted in ClinVar's aggregate classification.

NIHR Bioresource Rare Diseases, University of Cambridge
Classification: Pathogenic for Hereditary factor IX deficiency disease. Review status: no assertion criteria provided. Collection method: research. Allele origin: unknown. Affected: yes. Observed: 1 variant allele. Not counted in ClinVar's aggregate classification.

Literature cited by the submitters: PubMed 24759143 (cited by ClinGen Coagulation Factor Deficiency Variant Curation Expert Panel, Clingen); PubMed 7797466 (cited by ClinGen Coagulation Factor Deficiency Variant Curation Expert Panel, Clingen); PubMed 7873393 (cited by Clinical Genetics Laboratory, Skane University Hospital Lund and Angelo Bianchi Bonomi Hemophilia and Thrombosis Center, Fondazione IRCCS Ca Granda Ospedale Maggiore Policlinico); PubMed 1972560 (cited by Clinical Genetics Laboratory, Skane University Hospital Lund); PubMed 26782891 (cited by Clinical Genetics Laboratory, Skane University Hospital Lund); PubMed 27865967 (cited by Clinical Genetics Laboratory, Skane University Hospital Lund); PubMed 24375831 (cited by Clinical Genetics Laboratory, Skane University Hospital Lund and Women's Health and Genetics/Laboratory Corporation of America, LabCorp); PubMed 1615486 (cited by Labcorp Genetics (formerly Invitae), Labcorp and Women's Health and Genetics/Laboratory Corporation of America, LabCorp); PubMed 2752109 (cited by Labcorp Genetics (formerly Invitae), Labcorp and Angelo Bianchi Bonomi Hemophilia and Thrombosis Center, Fondazione IRCCS Ca Granda Ospedale Maggiore Policlinico); PubMed 2773937 (cited by 3 submitters); PubMed 19699296 (cited by Labcorp Genetics (formerly Invitae), Labcorp); PubMed 22544209 (cited by Labcorp Genetics (formerly Invitae), Labcorp and Angelo Bianchi Bonomi Hemophilia and Thrombosis Center, Fondazione IRCCS Ca Granda Ospedale Maggiore Policlinico); PubMed 22639855 (cited by Labcorp Genetics (formerly Invitae), Labcorp); PubMed 12554099 (cited by Mayo Clinic Laboratories, Mayo Clinic); PubMed 1680287 (cited by Mayo Clinic Laboratories, Mayo Clinic and Angelo Bianchi Bonomi Hemophilia and Thrombosis Center, Fondazione IRCCS Ca Granda Ospedale Maggiore Policlinico); PubMed 1873221 (cited by Mayo Clinic Laboratories, Mayo Clinic and Angelo Bianchi Bonomi Hemophilia and Thrombosis Center, Fondazione IRCCS Ca Granda Ospedale Maggiore Policlinico); PubMed 23617593 (cited by Mayo Clinic Laboratories, Mayo Clinic); PubMed 29296726 (cited by Mayo Clinic Laboratories, Mayo Clinic); PubMed 31064749 (cited by NIHR Bioresource Rare Diseases, University of Cambridge); PubMed 15921378 (cited by Angelo Bianchi Bonomi Hemophilia and Thrombosis Center, Fondazione IRCCS Ca Granda Ospedale Maggiore Policlinico); PubMed 2087690 (cited by Angelo Bianchi Bonomi Hemophilia and Thrombosis Center, Fondazione IRCCS Ca Granda Ospedale Maggiore Policlinico and OMIM); PubMed 2220823 (cited by Angelo Bianchi Bonomi Hemophilia and Thrombosis Center, Fondazione IRCCS Ca Granda Ospedale Maggiore Policlinico); PubMed 8470048 (cited by Angelo Bianchi Bonomi Hemophilia and Thrombosis Center, Fondazione IRCCS Ca Granda Ospedale Maggiore Policlinico); PubMed 8257988 (cited by Angelo Bianchi Bonomi Hemophilia and Thrombosis Center, Fondazione IRCCS Ca Granda Ospedale Maggiore Policlinico); PubMed 8091381 (cited by Angelo Bianchi Bonomi Hemophilia and Thrombosis Center, Fondazione IRCCS Ca Granda Ospedale Maggiore Policlinico); PubMed 16643212 (cited by Angelo Bianchi Bonomi Hemophilia and Thrombosis Center, Fondazione IRCCS Ca Granda Ospedale Maggiore Policlinico); PubMed 11328285 (cited by Angelo Bianchi Bonomi Hemophilia and Thrombosis Center, Fondazione IRCCS Ca Granda Ospedale Maggiore Policlinico); PubMed 8680410 (cited by Angelo Bianchi Bonomi Hemophilia and Thrombosis Center, Fondazione IRCCS Ca Granda Ospedale Maggiore Policlinico); PubMed 8314564 (cited by Angelo Bianchi Bonomi Hemophilia and Thrombosis Center, Fondazione IRCCS Ca Granda Ospedale Maggiore Policlinico); PubMed 10739381 (cited by Angelo Bianchi Bonomi Hemophilia and Thrombosis Center, Fondazione IRCCS Ca Granda Ospedale Maggiore Policlinico); PubMed 1968152 (cited by Angelo Bianchi Bonomi Hemophilia and Thrombosis Center, Fondazione IRCCS Ca Granda Ospedale Maggiore Policlinico); PubMed 10595634 (cited by Angelo Bianchi Bonomi Hemophilia and Thrombosis Center, Fondazione IRCCS Ca Granda Ospedale Maggiore Policlinico); PubMed 6603618 (cited by Angelo Bianchi Bonomi Hemophilia and Thrombosis Center, Fondazione IRCCS Ca Granda Ospedale Maggiore Policlinico and OMIM); PubMed 22103590 (cited by Angelo Bianchi Bonomi Hemophilia and Thrombosis Center, Fondazione IRCCS Ca Granda Ospedale Maggiore Policlinico); PubMed 32581362 (cited by NIHR Bioresource Rare Diseases, University of Cambridge).

NM_000133.4(F9):c.572G>A (p.Arg191His)

Gene: F9 (coagulation factor IX; plus strand). Cytogenetic location: Xq27.1.
Variant type: single nucleotide variant.
Coding change: c.572G>A on transcript NM_000133.4 (MANE Select); coding-DNA position 572, G replaced by A.
Protein change: p.Arg191His; replaces arginine 191 with histidine.
Molecular consequence: missense variant.
Genome position (GRCh38, 1-based): chrX:139,551,113, G>A. VCF-style: chrX-139551113-G-A. GRCh37 (hg19) VCF-style: chrX-138633272-G-A.
Other names: F9, ARG145HIS; R145H; NM_000133.3(F9):c.572G>A; c.458G>A, p.Arg153His (NM_001313913.2); short protein forms R191H, R153H.
Identifiers: ClinVar variation 10585 (VCV000010585.24), dbSNP rs137852238, ClinGen allele CA255342.